The following is an entry in ClinVar:

ClinVar aggregate classification (germline): Uncertain significance (1 of 4 stars; one submission).

Allele frequency attached by ClinVar (database versions not stated): gnomAD 0.00001; gnomAD exomes 0.00002 and 0.00004; TOPMed 0.00003; ExAC 0.00007; ESP Exome Variant Server 0.00008.

Submission:

Labcorp Genetics (formerly Invitae), Labcorp
Classification: Uncertain significance. Last evaluated: 2022-08-07. Review status: criteria provided, single submitter. Criteria: Invitae Variant Classification Sherloc (09022015). Collection method: clinical testing. Allele origin: germline.
Comment: The TREM2 gene has multiple clinically relevant transcripts. This variant occurs in alternate transcript NM_001271821.1, and corresponds to NM_018965.3:c.*43G>C in the primary transcript. This sequence change replaces glycine, which is neutral and non-polar, with alanine, which is neutral and non-polar, at codon 181 of the TREM2 protein (p.Gly181Ala). This variant is present in population databases (rs376505321, gnomAD 0.01%). This variant has not been reported in the literature in individuals affected with TREM2-related conditions. ClinVar contains an entry for this variant (Variation ID: 1439874). Experimental studies and prediction algorithms are not available or were not evaluated, and the functional significance of this variant is currently unknown. In summary, the available evidence is currently insufficient to determine the role of this variant in disease. Therefore, it has been classified as a Variant of Uncertain Significance.

NM_018965.4(TREM2):c.*43G>C

Gene: TREM2 (triggering receptor expressed on myeloid cells 2; minus strand). Cytogenetic location: 6p21.1.
Variant type: single nucleotide variant.
Coding change: c.*43G>C on transcript NM_018965.4 (MANE Select); 43 bases downstream of the stop codon, G replaced by C.
Molecular consequence: 3 prime UTR variant. On other transcripts: missense variant (1).
Genome position (GRCh38, 1-based): chr6:41,158,721, C>G on the plus strand (G>C on the coding strand, the complement: TREM2 is on the minus strand). VCF-style: chr6-41158721-C-G. GRCh37 (hg19) VCF-style: chr6-41126459-C-G.
Other names: c.542G>C, p.Gly181Ala (NM_001271821.2); short protein forms G181A.
Identifiers: ClinVar variation 1439874 (VCV001439874.4), dbSNP rs376505321, ClinGen allele CA3798796.